The following is an entry in ClinVar:

NM_001166114.2(PNPLA6):c.3461A>G (p.Glu1154Gly)

Gene: PNPLA6 (patatin like domain 6, lysophospholipase; plus strand). Cytogenetic location: 19p13.2.
Variant type: single nucleotide variant.
Coding change: c.3461A>G on transcript NM_001166114.2 (MANE Select); coding-DNA position 3461, A replaced by G.
Protein change: p.Glu1154Gly; replaces glutamic acid 1154 with glycine.
Molecular consequence: missense variant.
Genome position (GRCh38, 1-based): chr19:7,558,913, A>G. VCF-style: chr19-7558913-A-G. GRCh37 (hg19) VCF-style: chr19-7623799-A-G.
Other names: c.3491A>G, p.Glu1164Gly (NM_001166111.2); c.3266A>G, p.Glu1089Gly (NM_001166112.2); c.3347A>G, p.Glu1116Gly (NM_001166113.1, NM_006702.5); short protein forms E1089G, E1116G, E1154G, E1164G.
Identifiers: ClinVar variation 1007508 (VCV001007508.6), dbSNP rs1176067979, ClinGen allele CA403134684.

ClinVar aggregate classification (germline): Uncertain significance (1 of 4 stars; one submission).

Conditions:
Hereditary spastic paraplegia 39 (SPG39). Also called: Spastic Paraplegia Type 39 (SPG39); SPASTIC PARAPLEGIA 39, AUTOSOMAL RECESSIVE. Identifiers: Orphanet 139480, MedGen C2677586, MONDO:0012787, OMIM 612020.

Allele frequency attached by ClinVar (database versions not stated): gnomAD exomes below 0.00001.
gnomAD v4.1: 1 of 1,614,090 alleles (0.000062%); highest among the groups gnomAD compares: Non-Finnish European, 0.000085%; no homozygotes.

Submission:

Labcorp Genetics (formerly Invitae), Labcorp
Classification: Uncertain significance for Hereditary spastic paraplegia 39. Last evaluated: 2021-08-27. Review status: criteria provided, single submitter. Criteria: Invitae Variant Classification Sherloc (09022015). Collection method: clinical testing. Allele origin: germline.
Comment: This sequence change replaces glutamic acid with glycine at codon 1116 of the PNPLA6 protein (p.Glu1116Gly). The glutamic acid residue is highly conserved and there is a moderate physicochemical difference between glutamic acid and glycine. This variant is not present in population databases (ExAC no frequency). This variant has not been reported in the literature in individuals affected with PNPLA6-related conditions. Algorithms developed to predict the effect of missense changes on protein structure and function are either unavailable or do not agree on the potential impact of this missense change (SIFT: "Deleterious"; PolyPhen-2: "Probably Damaging"; Align-GVGD: "Class C15"). In summary, the available evidence is currently insufficient to determine the role of this variant in disease. Therefore, it has been classified as a Variant of Uncertain Significance.